The following is an entry in ClinVar:

ClinVar aggregate classification (germline): Likely benign (1 of 4 stars; one submission).

gnomAD v4.1: 1 of 1,613,482 alleles (0.000062%); highest among the groups gnomAD compares: Admixed American, 0.0017%; no homozygotes.

Submission:

CeGaT Center for Human Genetics Tuebingen
Classification: Likely benign. Last evaluated: 2024-07-01. Review status: criteria provided, single submitter. Criteria: CeGaT Center For Human Genetics Tuebingen Variant Classification Criteria Version 2. Collection method: clinical testing. Allele origin: germline. Affected: yes. Observed: 1 variant allele.
Comment: COASY: BP4, BP7

NM_025233.7(COASY):c.981A>G (p.Glu327=)

Gene: COASY (Coenzyme A synthase; plus strand). Cytogenetic location: 17q21.2.
Variant type: single nucleotide variant.
Coding change: c.981A>G on transcript NM_025233.7 (MANE Select); coding-DNA position 981, A replaced by G.
Protein change: p.Glu327=; no amino-acid change (glutamic acid 327 retained).
Molecular consequence: synonymous variant.
Genome position (GRCh38, 1-based): chr17:42,564,511, A>G. VCF-style: chr17-42564511-A-G. GRCh37 (hg19) VCF-style: chr17-40716529-A-G.
Other names: c.981A>G, p.Glu327= (NM_001042529.3); c.1068A>G, p.Glu356= (NM_001042532.4).
Identifiers: ClinVar variation 3257311 (VCV003257311.17).